The following is an entry in ClinVar:

NM_001197104.2(KMT2A):c.8967_8984del (p.Glu2989_Pro2994del)

Gene: KMT2A (lysine methyltransferase 2A; plus strand). Cytogenetic location: 11q23.3.
Variant type: Deletion.
Coding change: c.8967_8984del on transcript NM_001197104.2 (MANE Select); coding-DNA positions 8967 to 8984, 18 bases deleted (AGGCCACATGACTCCTGA).
Protein change: p.Glu2989_Pro2994del.
Genome position (GRCh38, 1-based): chr11:118,504,859-118,504,876, AGGCCACATGACTCCTGA deleted; deleting any 18 consecutive bases within chr11:118,504,851-118,504,876 gives the same sequence; the c. name uses the placement nearest the transcript's 3' end. VCF-style (leftmost placement, unchanged base first): chr11-118504850-AACTCCTGAAGGCCACATG-A. GRCh37 (hg19) VCF-style: chr11-118375565-AACTCCTGAAGGCCACATG-A.
Other names: c.9057_9074del, p.Glu3019_Pro3024del (NM_001412597.1); c.8958_8975del, p.Glu2986_Pro2991del (NM_005933.4).
Identifiers: ClinVar variation 3653185 (VCV003653185.2).

ClinVar aggregate classification (germline): Uncertain significance (1 of 4 stars; one submission).

Submission:

Labcorp Genetics (formerly Invitae), Labcorp
Classification: Uncertain significance. Last evaluated: 2024-05-13. Review status: criteria provided, single submitter. Criteria: Invitae Variant Classification Sherloc (09022015). Collection method: clinical testing. Allele origin: germline.
Comment: This variant, c.8967_8984del, results in the deletion of 6 amino acid(s) of the KMT2A protein (p.Glu2989_Pro2994del), but otherwise preserves the integrity of the reading frame. This variant is not present in population databases (gnomAD no frequency). This variant has not been reported in the literature in individuals affected with KMT2A-related conditions. Experimental studies and prediction algorithms are not available or were not evaluated, and the functional significance of this variant is currently unknown. In summary, the available evidence is currently insufficient to determine the role of this variant in disease. Therefore, it has been classified as a Variant of Uncertain Significance.